The following is an entry in ClinVar:

ClinVar aggregate classification (germline): Uncertain significance (1 of 4 stars; one submission).

gnomAD v4.1: 5 of 1,613,984 alleles (0.00031%); highest among the groups gnomAD compares: Non-Finnish European, 0.00042%; no homozygotes.

Submission:

Labcorp Genetics (formerly Invitae), Labcorp
Classification: Uncertain significance. Last evaluated: 2022-12-22. Review status: criteria provided, single submitter. Criteria: Invitae Variant Classification Sherloc (09022015). Collection method: clinical testing. Allele origin: germline.
Comment: This variant has not been reported in the literature in individuals affected with MS4A1-related conditions. In summary, the available evidence is currently insufficient to determine the role of this variant in disease. Therefore, it has been classified as a Variant of Uncertain Significance. Algorithms developed to predict the effect of missense changes on protein structure and function are either unavailable or do not agree on the potential impact of this missense change (SIFT: "Deleterious"; PolyPhen-2: "Benign"; Align-GVGD: "Class C35"). ClinVar contains an entry for this variant (Variation ID: 1467070). This variant is present in population databases (rs745437493, gnomAD 0.003%). This sequence change replaces tyrosine, which is neutral and polar, with aspartic acid, which is acidic and polar, at codon 161 of the MS4A1 protein (p.Tyr161Asp).

NM_152866.3(MS4A1):c.481T>G (p.Tyr161Asp)

Gene: MS4A1 (membrane spanning 4-domains A1; plus strand). Cytogenetic location: 11q12.2.
Variant type: single nucleotide variant.
Coding change: c.481T>G on transcript NM_152866.3 (MANE Select); coding-DNA position 481, T replaced by G.
Protein change: p.Tyr161Asp; replaces tyrosine 161 with aspartic acid.
Molecular consequence: missense variant.
Genome position (GRCh38, 1-based): chr11:60,466,065, T>G. VCF-style: chr11-60466065-T-G. GRCh37 (hg19) VCF-style: chr11-60233538-T-G.
Other names: c.481T>G, p.Tyr161Asp (NM_021950.4, NM_152867.2); short protein forms Y161D.
Identifiers: ClinVar variation 1467070 (VCV001467070.8), dbSNP rs745437493, ClinGen allele CA6024995.